The following is an entry in ClinVar:

ClinVar aggregate classification (germline): Benign (1 of 4 stars; one submission).

Submission:

ISCA site 15
Classification: Benign. Last evaluated: 2011-08-12. Review status: criteria provided, single submitter. Criteria: Kaminsky et al. (Genet Med. 2011). Collection method: clinical testing. Allele origin: maternal. Affected: yes. Observed: 1 variant allele.
Comment: Copy number variation identified through the course of routine clinical cytogenomic testing in postnatal populations. Clinical assertions have been curated as described in Kaminsky et al. 2011.

GRCh38/hg38 Xp21.2(chrX:30783431-30834542)x2

Genes: TAB3 (TGF-beta activated kinase 1 (MAP3K7) binding protein 3; minus strand), LOC130068078 (ATAC-STARR-seq lymphoblastoid silent region 20726; plus strand). Cytogenetic location: Xp21.2.
Variant type: copy number gain.
Change: copy number 2 of chrX:30,783,431-30,834,542 (51.1 kb, GRCh38 coordinates, 1-based), cytogenetic band Xp21.2.
Identifiers: ClinVar variation 59829 (VCV000059829.1).